The following is an entry in ClinVar:

NM_003079.5(SMARCE1):c.1109G>T (p.Gly370Val)

Gene: SMARCE1 (SWI/SNF related BAF chromatin remodeling complex subunit E1; minus strand). Cytogenetic location: 17q21.2.
Variant type: single nucleotide variant.
Coding change: c.1109G>T on transcript NM_003079.5 (MANE Select); coding-DNA position 1109, G replaced by T.
Protein change: p.Gly370Val; replaces glycine 370 with valine.
Molecular consequence: missense variant.
Genome position (GRCh38, 1-based): chr17:40,628,912, C>A on the plus strand (G>T on the coding strand, the complement: SMARCE1 is on the minus strand). VCF-style: chr17-40628912-C-A. GRCh37 (hg19) VCF-style: chr17-38785164-C-A.
Other names: short protein forms G370V.
Identifiers: ClinVar variation 969456 (VCV000969456.10), dbSNP rs2037062100, ClinGen allele CA399361373.
Genomic context (GRCh38, chr17:40,628,912, plus strand): 5'-TCCGAGCCAGTGTTACTATCACTGGTTCCTTCCTCTGCCATACTGTCGACCCCCTCCTGC[C>A]CACTCTCCTTGTCCTCAGGAGTAGACGTGCCTTCTTCACCATTCTGTTGGCTCTCTGTTG-3'
Protein context (NP_003070.3, residues 360-380): GTSTPEDKES[Gly370Val]QEGVDSMAEE

ClinVar aggregate classification (germline): Uncertain significance. Review status: criteria provided, multiple submitters, no conflicts (2 of 4 stars). 2 submissions from 2 submitters: Uncertain significance (2). Last evaluated 2025-01-06.

Conditions:
Familial meningioma. Also called: Meningioma, familial, susceptibility to. Identifiers: Orphanet 263662, MedGen C3551915, MONDO:0011789, OMIM 607174.
Hereditary cancer-predisposing syndrome. Also called: Neoplastic Syndromes, Hereditary; Hereditary Cancer Syndrome; Tumor predisposition; Hereditary neoplastic syndrome. Identifiers: Orphanet 140162, MedGen C0027672, MeSH D009386, MONDO:0015356.

Submissions (2):

Labcorp Genetics (formerly Invitae), Labcorp
Classification: Uncertain significance for Familial meningioma. Last evaluated: 2025-01-06. Review status: criteria provided, single submitter. Criteria: Invitae Variant Classification Sherloc (09022015). Collection method: clinical testing. Allele origin: germline.
Comment: This sequence change replaces glycine, which is neutral and non-polar, with valine, which is neutral and non-polar, at codon 370 of the SMARCE1 protein (p.Gly370Val). This variant is not present in population databases (gnomAD no frequency). This missense change has been observed in individual(s) with neurodevelopmental disorders (PMID: 37500730). ClinVar contains an entry for this variant (Variation ID: 969456). Invitae Evidence Modeling of protein sequence and biophysical properties (such as structural, functional, and spatial information, amino acid conservation, physicochemical variation, residue mobility, and thermodynamic stability) indicates that this missense variant is not expected to disrupt SMARCE1 protein function with a negative predictive value of 80%. In summary, the available evidence is currently insufficient to determine the role of this variant in disease. Therefore, it has been classified as a Variant of Uncertain Significance.

Ambry Genetics
Classification: Uncertain significance for Hereditary cancer-predisposing syndrome. Last evaluated: 2021-02-08. Review status: criteria provided, single submitter. Criteria: Ambry Variant Classification Scheme 2023. Collection method: clinical testing. Allele origin: germline.
Comment: The p.G370V variant (also known as c.1109G>T), located in coding exon 10 of the SMARCE1 gene, results from a G to T substitution at nucleotide position 1109. The glycine at codon 370 is replaced by valine, an amino acid with dissimilar properties. This amino acid position is well conserved in available vertebrate species. In addition, this alteration is predicted to be tolerated by in silico analysis. Missense and in-frame variants in SMARCE1 are known to cause neurodevelopmental disorders; however, such associations with increased risk of meningiomas are exceedingly rare (Kosho T et al. Am J Med Genet C Semin Med Genet. 2014 Sep;166C(3):262-75; Smith JM et al. Nat Genet. 2013 Mar;45(3):295-8). Based on the supporting evidence, the association of this alteration with an increased risk of Coffin-Siris syndrome is unknown; however, the association of this alteration with meningiomas is unlikely.

Literature cited by the submitters: PubMed 37500730 (cited by Labcorp Genetics (formerly Invitae), Labcorp).